The following is an entry in ClinVar:

NM_080732.4(EGLN2):c.102G>A (p.Met34Ile)

Genes: EGLN2 (egl-9 family hypoxia inducible factor 2; plus strand), RAB4B-EGLN2 (RAB4B-EGLN2 readthrough (NMD candidate); plus strand). Cytogenetic location: 19q13.2.
Variant type: single nucleotide variant.
Coding change: c.102G>A on transcript NM_080732.4 (MANE Select); coding-DNA position 102, G replaced by A.
Protein change: p.Met34Ile; replaces methionine 34 with isoleucine.
Molecular consequence: missense variant. On other transcripts: non-coding transcript variant (1).
Genome position (GRCh38, 1-based): chr19:40,800,674, G>A. VCF-style: chr19-40800674-G-A. GRCh37 (hg19) VCF-style: chr19-41306579-G-A.
Other names: c.102G>A, p.Met34Ile (NM_053046.4); short protein forms M34I.
Identifiers: ClinVar variation 3228976 (VCV003228976.1), dbSNP rs2515992753, ClinGen allele CA405954564.

ClinVar aggregate classification (germline): Uncertain significance (1 of 4 stars; one submission).

Allele frequency attached by ClinVar (database versions not stated): gnomAD exomes below 0.00001.
gnomAD v4.1: 1 of 1,614,048 alleles (0.000062%); highest among the groups gnomAD compares: Non-Finnish European, 0.000085%; no homozygotes.

Submission:

Ambry Genetics
Classification: Uncertain significance. Last evaluated: 2023-09-21. Review status: criteria provided, single submitter. Criteria: Ambry Variant Classification Scheme 2023. Collection method: clinical testing. Allele origin: germline.
Comment: The p.M34I variant (also known as c.102G>A), located in coding exon 1 of the EGLN2 gene, results from a G to A substitution at nucleotide position 102. The methionine at codon 34 is replaced by isoleucine, an amino acid with highly similar properties. This amino acid position is conserved. In addition, this alteration is predicted to be tolerated by in silico analysis. Since supporting evidence is limited at this time, the clinical significance of this alteration remains unclear.